The following is an entry in ClinVar:

ClinVar aggregate classification (germline): Uncertain significance. Review status: criteria provided, multiple submitters, no conflicts (2 of 4 stars). 2 submissions from 2 submitters: Uncertain significance (2). Last evaluated 2024-09-12.

Conditions:
Seizures, benign familial infantile, 3 (BFIS3). Also called: Familial neonatal seizures; CONVULSIONS, BENIGN FAMILIAL INFANTILE, 3. Identifiers: Orphanet 140927, Orphanet 306, MedGen C1843140, MONDO:0011904, OMIM 607745.
Developmental and epileptic encephalopathy, 11 (DEE11). Also called: Early infantile epileptic encephalopathy 11. Identifiers: Orphanet 1934, MedGen C3150987, MONDO:0013388, OMIM 613721.

Allele frequency attached by ClinVar (database versions not stated): gnomAD exomes below 0.00001.
gnomAD v4.1: 1 of 1,614,008 alleles (0.000062%); highest among the groups gnomAD compares: Non-Finnish European, 0.000085%; no homozygotes.

Submissions (2):

Labcorp Genetics (formerly Invitae), Labcorp
Classification: Uncertain significance for Seizures, benign familial infantile, 3; Developmental and epileptic encephalopathy, 11. Last evaluated: 2024-09-12. Review status: criteria provided, single submitter. Criteria: Invitae Variant Classification Sherloc (09022015). Collection method: clinical testing. Allele origin: germline.
Comment: This sequence change replaces lysine, which is basic and polar, with glutamic acid, which is acidic and polar, at codon 682 of the SCN2A protein (p.Lys682Glu). This variant is not present in population databases (gnomAD no frequency). This variant has not been reported in the literature in individuals affected with SCN2A-related conditions. ClinVar contains an entry for this variant (Variation ID: 377037). Invitae Evidence Modeling of protein sequence and biophysical properties (such as structural, functional, and spatial information, amino acid conservation, physicochemical variation, residue mobility, and thermodynamic stability) has been performed for this missense variant. However, the output from this modeling did not meet the statistical confidence thresholds required to predict the impact of this variant on SCN2A protein function. In summary, the available evidence is currently insufficient to determine the role of this variant in disease. Therefore, it has been classified as a Variant of Uncertain Significance.

Center for Pediatric Genomic Medicine, Children's Mercy Hospital and Clinics
Classification: Uncertain significance. Last evaluated: 2016-09-13. Review status: criteria provided, single submitter. Criteria: ACMG Guidelines, 2015. Collection method: clinical testing. Allele origin: germline.
ClinVar note: Converted during submission from Uncertain Significance to Uncertain significance.

NM_001040142.2(SCN2A):c.2044A>G (p.Lys682Glu)

Gene: SCN2A (sodium voltage-gated channel alpha subunit 2; plus strand). Cytogenetic location: 2q24.3.
Variant type: single nucleotide variant.
Coding change: c.2044A>G on transcript NM_001040142.2 (MANE Select); coding-DNA position 2044, A replaced by G.
Protein change: p.Lys682Glu; replaces lysine 682 with glutamic acid.
Molecular consequence: missense variant.
Genome position (GRCh38, 1-based): chr2:165,326,879, A>G. VCF-style: chr2-165326879-A-G. GRCh37 (hg19) VCF-style: chr2-166183389-A-G.
Other names: c.2044A>G, p.Lys682Glu (NM_001040143.2, NM_001371246.1, NM_001371247.1 and 1 more transcripts); short protein forms K682E.
Identifiers: ClinVar variation 377037 (VCV000377037.5), dbSNP rs1057520113, ClinGen allele CA16603242.